The following is an entry in ClinVar:

NM_002528.7(NTHL1):c.-1C>T

Gene: NTHL1 (nth like DNA glycosylase 1; minus strand). Cytogenetic location: 16p13.3.
Variant type: single nucleotide variant.
Coding change: c.-1C>T on transcript NM_002528.7 (MANE Select); 1 bases upstream of the start codon, C replaced by T.
Molecular consequence: 5 prime UTR variant.
Genome position (GRCh38, 1-based): chr16:2,047,824, G>A on the plus strand (C>T on the coding strand, the complement: NTHL1 is on the minus strand). VCF-style: chr16-2047824-G-A. GRCh37 (hg19) VCF-style: chr16-2097825-G-A.
Other names: c.-1C>T (NM_001318193.2); c.-179C>T (NM_001318194.2).
Identifiers: ClinVar variation 762201 (VCV000762201.19), dbSNP rs532310992, ClinGen allele CA276766796.

ClinVar aggregate classification (germline): Conflicting classifications of pathogenicity. Review status: criteria provided, conflicting classifications (1 of 4 stars). 4 submissions from 4 submitters: Uncertain significance (3); Likely benign (1). Last evaluated 2025-07-30.

Conditions:
Hereditary cancer-predisposing syndrome. Also called: Tumor predisposition; Neoplastic Syndromes, Hereditary; Hereditary Cancer Syndrome; Hereditary neoplastic syndrome. Identifiers: Orphanet 140162, MedGen C0027672, MeSH D009386, MONDO:0015356.

Allele frequency attached by ClinVar (database versions not stated): gnomAD exomes 0.00001; 1000 Genomes Project 0.00020.

Submissions (4):

Labcorp Genetics (formerly Invitae), Labcorp
Classification: Likely benign. Last evaluated: 2025-07-30. Review status: criteria provided, single submitter. Criteria: Invitae Variant Classification Sherloc (09022015). Collection method: clinical testing. Allele origin: germline.

Center for Genomic Medicine, Rigshospitalet, Copenhagen University Hospital
Classification: Uncertain significance. Last evaluated: 2025-03-04. Review status: criteria provided, single submitter. Criteria: ACMG Guidelines, 2015. Collection method: clinical testing. Allele origin: germline.

Ambry Genetics
Classification: Uncertain significance for Hereditary cancer-predisposing syndrome. Last evaluated: 2024-04-25. Review status: criteria provided, single submitter. Criteria: Ambry Variant Classification Scheme 2023. Collection method: clinical testing. Allele origin: germline.
Comment: The c.24C>T variant (also known as p.G8G), located in coding exon 1 of the NTHL1 gene, results from a C to T substitution at nucleotide position 24. This nucleotide substitution does not change the glycine at codon 8. This nucleotide position is well conserved in available vertebrate species. In silico splice site analysis predicts that this alteration may result in the creation or strengthening of a novel splice donor site. Since supporting evidence is limited at this time, the clinical significance of this alteration remains unclear.

GeneDx
Classification: Uncertain significance. Last evaluated: 2022-01-25. Review status: criteria provided, single submitter. Criteria: GeneDx Variant Classification Process June 2021. Collection method: clinical testing. Allele origin: germline. Affected: yes.
Comment: Not observed at significant frequency in large population cohorts (gnomAD); In-silico analysis is inconclusive as to whether the variant alters gene splicing. In the absence of RNA/functional studies, the actual effect of this sequence change is unknown.; Has not been previously published as pathogenic or benign to our knowledge